The following is an entry in ClinVar:

ClinVar aggregate classification (germline): Uncertain significance. Review status: criteria provided, multiple submitters, no conflicts (2 of 4 stars). 2 submissions from 2 submitters: Uncertain significance (2). Last evaluated 2025-06-29.

Conditions:
Inborn genetic diseases. Identifiers: MedGen C0950123, MeSH D030342.
Charcot-Marie-Tooth disease axonal type 2C (HMSN2C). Also called: Charcot-Marie-Tooth Disease Type 2, TRPV4-Related (CMT2C); CHARCOT-MARIE-TOOTH DISEASE, AXONAL, AUTOSOMAL DOMINANT, TYPE 2C; Charcot-Marie-Tooth Neuropathy Type 2C. Identifiers: Orphanet 99937, MedGen C1853710, MONDO:0011633, OMIM 606071.

Allele frequency attached by ClinVar (database versions not stated): gnomAD exomes 0.00001.
gnomAD v4.1: 19 of 1,610,374 alleles (0.0012%); highest among the groups gnomAD compares: Non-Finnish European, 0.0016%; no homozygotes.

Submissions (2):

Ambry Genetics
Classification: Uncertain significance for Inborn genetic diseases. Last evaluated: 2025-06-29. Review status: criteria provided, single submitter. Criteria: Ambry Variant Classification Scheme 2023. Collection method: clinical testing. Allele origin: germline.

Labcorp Genetics (formerly Invitae), Labcorp
Classification: Uncertain significance for Charcot-Marie-Tooth disease axonal type 2C. Last evaluated: 2021-11-08. Review status: criteria provided, single submitter. Criteria: Invitae Variant Classification Sherloc (09022015). Collection method: clinical testing. Allele origin: germline.
Comment: In summary, the available evidence is currently insufficient to determine the role of this variant in disease. Therefore, it has been classified as a Variant of Uncertain Significance. Advanced modeling of protein sequence and biophysical properties (such as structural, functional, and spatial information, amino acid conservation, physicochemical variation, residue mobility, and thermodynamic stability) performed at Invitae indicates that this missense variant is not expected to disrupt TRPV4 protein function. This sequence change replaces tyrosine, which is neutral and polar, with histidine, which is basic and polar, at codon 508 of the TRPV4 protein (p.Tyr508His). This variant is present in population databases (no rsID available, gnomAD 0.002%). This variant has not been reported in the literature in individuals affected with TRPV4-related conditions. ClinVar contains an entry for this variant (Variation ID: 568689).

NM_021625.5(TRPV4):c.1522T>C (p.Tyr508His)

Gene: TRPV4 (transient receptor potential cation channel subfamily V member 4; minus strand). Cytogenetic location: 12q24.11.
Variant type: single nucleotide variant.
Coding change: c.1522T>C on transcript NM_021625.5 (MANE Select); coding-DNA position 1522, T replaced by C.
Protein change: p.Tyr508His; replaces tyrosine 508 with histidine.
Molecular consequence: missense variant.
Genome position (GRCh38, 1-based): chr12:109,793,992, A>G on the plus strand (T>C on the coding strand, the complement: TRPV4 is on the minus strand). VCF-style: chr12-109793992-A-G. GRCh37 (hg19) VCF-style: chr12-110231797-A-G.
Other names: c.1381T>C, p.Tyr461His (NM_001177428.2); c.1420T>C, p.Tyr474His (NM_001177431.2); c.1201T>C, p.Tyr401His (NM_001177433.2); c.1342T>C, p.Tyr448His (NM_147204.3); short protein forms Y508H, Y401H, Y448H, Y474H, Y461H.
Identifiers: ClinVar variation 568689 (VCV000568689.7), dbSNP rs1167973138, ClinGen allele CA386652251.